The following is an entry in ClinVar:

ClinVar aggregate classification (germline): Benign/Likely benign; association. Review status: criteria provided, multiple submitters, no conflicts (2 of 4 stars). 10 submissions from 9 submitters: Benign (8); Likely benign (1). Last evaluated 2026-02-04.

Conditions:
Pityriasis rubra pilaris (PRP). Also called: Pityriasis rubra pilaris--familial type. Identifiers: Orphanet 2897, MedGen C0032027, MONDO:0100017, OMIM 173200, MONDO:0008251.
Psoriasis 2. Identifiers: MedGen C1864497, MONDO:0011269, OMIM 602723.

Allele frequency attached by ClinVar (database versions not stated): 1000 Genomes Project 30x 0.35681; 1000 Genomes Project 0.35863; TOPMed 0.38923; gnomAD 0.40131 and 0.40359; ESP Exome Variant Server 0.41015; gnomAD exomes 0.41214 and 0.48047; ExAC 0.49036.
gnomAD v4.1: 741,596 of 1,571,222 alleles (47%); highest among the groups gnomAD compares: East Asian, 55%; 180,221 homozygotes.

Submissions (10):

Labcorp Genetics (formerly Invitae), Labcorp
Classification: Benign for Pityriasis rubra pilaris; Psoriasis 2. Last evaluated: 2026-02-04. Review status: criteria provided, single submitter. Criteria: Invitae Variant Classification Sherloc (09022015). Collection method: clinical testing. Allele origin: germline.

Women's Health and Genetics/Laboratory Corporation of America, LabCorp
Classification: Benign. Last evaluated: 2026-01-21. Review status: criteria provided, single submitter. Criteria: LabCorp Variant Classification Summary - May 2015. Collection method: clinical testing. Allele origin: germline.

Blueprint Genetics
Classification: Likely benign. Last evaluated: 2024-11-28. Review status: criteria provided, single submitter. Criteria: ACMG Guidelines, 2015. Collection method: clinical testing. Allele origin: germline.

Unidad de Genómica Garrahan, Hospital de Pediatría Garrahan
Classification: Benign. Last evaluated: 2023-11-12. Review status: criteria provided, single submitter. Criteria: ACMG Guidelines, 2015. Collection method: clinical testing. Allele origin: germline. Affected: no. Observed: 51 variant alleles.
Comment: This variant is classified as Benign based on local population frequency. This variant was detected in 53% of patients studied by a panel of primary immunodeficiencies. Number of patients: 51. Only high quality variants are reported.

Genome-Nilou Lab
Classification: Benign for Pityriasis rubra pilaris. Last evaluated: 2021-07-14. Review status: criteria provided, single submitter. Criteria: ACMG Guidelines, 2015. Collection method: clinical testing. Allele origin: germline. Affected: no.

Genome-Nilou Lab
Classification: Benign for Psoriasis 2. Last evaluated: 2021-07-14. Review status: criteria provided, single submitter. Criteria: ACMG Guidelines, 2015. Collection method: clinical testing. Allele origin: germline. Affected: no.

Mayo Clinic Laboratories, Mayo Clinic
Classification: Benign. Last evaluated: 2018-03-22. Review status: criteria provided, single submitter. Criteria: ACMG Guidelines, 2015. Collection method: clinical testing. Allele origin: germline. Observed: 693 variant alleles.

Laboratory for Molecular Medicine, Mass General Brigham Personalized Medicine
Classification: Benign. Last evaluated: 2016-03-29. Review status: criteria provided, single submitter. Criteria: LMM Criteria. Collection method: clinical testing. Allele origin: germline.
Comment: Variant identified in a genome or exome case(s) and assessed due to predicted null impact of the variant or pathogenic assertions in the literature or databases. Disclaimer: This variant has not undergone full assessment. The following are preliminary notes: Frequency

Breakthrough Genomics
Classification: Benign. Review status: criteria provided, single submitter. Criteria: ACMG Guidelines, 2015. Collection method: not provided. Allele origin: germline. Inheritance: Autosomal dominant inheritance. Affected: yes.

Clinical Genomics, Uppaluri K&H Personalized Medicine Clinic
Classification: association for Pityriasis rubra pilaris. Review status: criteria provided, single submitter. Criteria: K &amp; H Uppaluri Personalized Medicine Clinic Variant Classification &amp; Assertion Criteria_Updated V.1. Collection method: clinical testing. Allele origin: germline. Inheritance: Autosomal dominant inheritance. Affected: yes. Observed: 1 heterozygote.
Comment: CARD14 is a scaffold protein that mediates NF-κB signal transduction in skin keratinocytes. Potent mutations in Card14 have been shown to be associated with familial pustular psoriasis and other cutaneous inflammatory conditions like Pytriasis rubra pilaris. rs11653893 variant is associated with Psoriasis . However, more studies are required to ascertain the role of rs11653893 in Psoriasis

Literature cited by the submitters: PubMed 30697821 (cited by Clinical Genomics, Uppaluri K&H Personalized Medicine Clinic).

NM_001366385.1(CARD14):c.2399-4A>G

Genes: CARD14 (caspase recruitment domain family member 14; plus strand), SGSH (N-sulfoglucosamine sulfohydrolase; minus strand), LOC126862662 (MED14-independent group 3 enhancer GRCh37_chr17:78178385-78179584; plus strand). Cytogenetic location: 17q25.3.
Variant type: single nucleotide variant.
Coding change: c.2399-4A>G on transcript NM_001366385.1 (MANE Select); 4 bases into the intron before coding-DNA position 2399, A replaced by G.
Molecular consequence: intron variant.
Genome position (GRCh38, 1-based): chr17:80,205,031, A>G. VCF-style: chr17-80205031-A-G. GRCh37 (hg19) VCF-style: chr17-78178830-A-G.
Other names: p.?; c.2399-4A>G (NM_024110.4).
Identifiers: ClinVar variation 402486 (VCV000402486.23), dbSNP rs11653893, ClinGen allele CA8817315.